The following is an entry in ClinVar:

ClinVar aggregate classification (germline): Uncertain significance. Review status: criteria provided, multiple submitters, no conflicts (2 of 4 stars). 2 submissions from 2 submitters: Uncertain significance (2). Last evaluated 2024-10-30.

Conditions:
Angelman syndrome (AS). Also called: HAPPY PUPPET SYNDROME. Identifiers: Orphanet 72, MedGen C0162635, MONDO:0007113, OMIM 105830. Disease mechanism: loss of function. Inheritance: AS is caused by disruption of maternally imprinted UBE3A located within the 15q11.2-q13 Angelman syndrome/Prader-Willi syndrome (AS/PWS) region., imprinting disorder.

Submissions (2):

Labcorp Genetics (formerly Invitae), Labcorp
Classification: Uncertain significance for Angelman syndrome. Last evaluated: 2024-10-30. Review status: criteria provided, single submitter. Criteria: Invitae Variant Classification Sherloc (09022015). Collection method: clinical testing. Allele origin: germline.
Comment: This variant, c.2178_2180del, results in the deletion of 1 amino acid(s) of the UBE3A protein (p.Leu726del), but otherwise preserves the integrity of the reading frame. This variant is not present in population databases (gnomAD no frequency). This variant has been observed in individual(s) with clinical features of UBE3A-related conditions (PMID: 34815418). It has also been observed to segregate with disease in related individuals. ClinVar contains an entry for this variant (Variation ID: 1303864). Algorithms developed to predict the effect of variants on gene product structure and function are not available or were not evaluated for this variant. Experimental studies have shown that this variant affects UBE3A function (PMID: 34815418). In summary, the available evidence is currently insufficient to determine the role of this variant in disease. Therefore, it has been classified as a Variant of Uncertain Significance.

GeneDx
Classification: Uncertain significance. Last evaluated: 2023-02-12. Review status: criteria provided, single submitter. Criteria: GeneDx Variant Classification Process June 2021. Collection method: clinical testing. Allele origin: germline. Affected: yes.
Comment: Previously reported as a maternally inherited variant in 3 members of a family with varying degrees of intellectual disability, ADHD, and seizures; one of the individuals also harbored a pathogenic variant in another gene which may have contributed to the phenotype (Weston et al., 2021); Published functional studies demonstrate a gain of function; however, gain of function is not an established mechanism of disease for this gene (Weston et al., 2021); In silico analysis, which includes protein predictors and evolutionary conservation, supports a deleterious effect; Not observed in large population cohorts (gnomAD); In-frame deletion of 1 amino acids in a non-repeat region; This variant is associated with the following publications: (PMID: 34815418)

Literature cited by the submitters: PubMed 34815418 (cited by Labcorp Genetics (formerly Invitae), Labcorp).

NM_130839.5(UBE3A):c.2238_2240del (p.Leu746del)

Genes: SNHG14 (small nucleolar RNA host gene 14; plus strand), UBE3A (ubiquitin protein ligase E3A; minus strand). Cytogenetic location: 15q11.2.
Variant type: Deletion.
Coding change: c.2238_2240del on transcript NM_130839.5 (MANE Select); coding-DNA positions 2238 to 2240, 3 bases deleted (ATT; older notation c.2238_2240delATT).
Protein change: p.Leu746del; deletes leucine 746.
Molecular consequence: inframe deletion. On other transcripts: non-coding transcript variant (1), intron variant (3).
Genome position (GRCh38, 1-based): chr15:25,354,568-25,354,570, AAT deleted on the plus strand (ATT on the coding strand, the reverse complement: UBE3A is on the minus strand); deleting any 3 consecutive bases within chr15:25,354,568-25,354,572 gives the same sequence; the c. name uses the placement nearest the transcript's 3' end. VCF-style (leftmost placement, unchanged base first): chr15-25354567-GAAT-G. GRCh37 (hg19) VCF-style: chr15-25599714-GAAT-G.
Other names: c.2061_2063del, p.Leu687del (NM_001354546.2); c.2013_2015del, p.Leu671del (NM_001354549.2); c.987_989del, p.Leu329del (NM_001354550.2); c.927_929del, p.Leu309del (NM_001354551.2); c.2178_2180del, p.Leu726del (NM_001374461.1, NM_130838.4, NM_001354542.2 and 14 more transcripts); c.2065-144_2065-142del (NM_001354548.2, NM_001354547.2); c.2125-144_2125-142del (NM_001354545.2); c.2247_2249del, p.Leu749del (NM_000462.5); and 1 more; short protein forms L309del, L329del, L671del, L687del, L726del, L746del, L749del.
Identifiers: ClinVar variation 1303864 (VCV001303864.7), dbSNP rs2076968392, ClinGen allele CA2165201286.
Genomic context (GRCh38, chr15:25,354,567, plus strand): 5'-TGCAGACACCTGCTTTCTTACCCGGCTTCCACATATAAGCAATTCAATTTCTTCTGGTCT[GAAT>G]AAGTACTTTAAGGGAGATTCATTGGTCACCATATGAAAACCTCTCCGAAAAGCCTTGAAC-3'